The following is an entry in ClinVar:

ClinVar aggregate classification (germline): Likely pathogenic (1 of 4 stars; one submission).

Conditions:
3M syndrome 2. Also called: 3-M Syndrome, OBSL1-Related; THREE M SYNDROME 2. Identifiers: Orphanet 2616, MedGen C2752041, MONDO:0013039, OMIM 612921.

gnomAD v4.1: 8 of 1,605,412 alleles (0.0005%); highest among the groups gnomAD compares: East Asian, 0.0022%; no homozygotes.

Submission:

Neuberg Centre For Genomic Medicine, NCGM
Classification: Likely pathogenic for 3M syndrome 2. Last evaluated: 2023-05-20. Review status: criteria provided, single submitter. Criteria: ACMG Guidelines, 2015. Collection method: clinical testing. Allele origin: germline. Inheritance: Autosomal recessive inheritance. Affected: yes.
Comment: The observed stop gained c.3682C>T(p.Arg1228Ter) variant in OBSL1 has not been reported previously as a pathogenic variant nor as a benign variant, to our knowledge. The c.3682C>T variant is absent in gnomAD Exomes database. This variant has not been submitted to the ClinVar database. Computational evidence (MutationTaster - disease causing) predict a damaging effect on protein structure and function for this variant. The nucleotide change c.3682C>T in OBSL1 is predicted as conserved by GERP++ and PhyloP across 100 vertebrates. This variant is predicted to cause loss of normal protein function through protein truncation. Loss of function variants have been previously reported to be disease causing. For these reasons, this variant has been classified as Likely Pathogenic.

NM_015311.3(OBSL1):c.3682C>T (p.Arg1228Ter)

Gene: OBSL1 (obscurin like cytoskeletal adaptor 1; minus strand). Cytogenetic location: 2q35.
Variant type: single nucleotide variant.
Coding change: c.3682C>T on transcript NM_015311.3 (MANE Select); coding-DNA position 3682, C replaced by T.
Protein change: p.Arg1228Ter; replaces arginine 1228 with a stop codon.
Molecular consequence: nonsense.
Genome position (GRCh38, 1-based): chr2:219,557,931, G>A on the plus strand (C>T on the coding strand, the complement: OBSL1 is on the minus strand). VCF-style: chr2-219557931-G-A. GRCh37 (hg19) VCF-style: chr2-220422653-G-A.
Other names: c.3682C>T, p.Arg1228Ter (NM_001173431.2); short protein forms R1228*.
Identifiers: ClinVar variation 3341398 (VCV003341398.1).